The following is an entry in ClinVar:

ClinVar aggregate classification (germline): Uncertain significance (1 of 4 stars; one submission).

Allele frequency attached by ClinVar (database versions not stated): gnomAD 0.00001; TOPMed 0.00001; gnomAD exomes 0.00004.

Submission:

Labcorp Genetics (formerly Invitae), Labcorp
Classification: Uncertain significance. Last evaluated: 2022-06-20. Review status: criteria provided, single submitter. Criteria: Invitae Variant Classification Sherloc (09022015). Collection method: clinical testing. Allele origin: germline.
Comment: In summary, the available evidence is currently insufficient to determine the role of this variant in disease. Therefore, it has been classified as a Variant of Uncertain Significance. This variant has not been reported in the literature in individuals affected with IFT57-related conditions. This variant is not present in population databases (gnomAD no frequency). This sequence change creates a premature translational stop signal (p.Ile95Leufs*42) in the IFT57 gene. It is expected to result in an absent or disrupted protein product. However, the current clinical and genetic evidence is not sufficient to establish whether loss-of-function variants in IFT57 cause disease.

NM_018010.4(IFT57):c.282del (p.Ile95fs)

Gene: IFT57 (intraflagellar transport 57; minus strand). Cytogenetic location: 3q13.13.
Variant type: Deletion.
Coding change: c.282del on transcript NM_018010.4 (MANE Select); coding-DNA position 282, one base deleted (G; older notation c.282delG).
Protein change: p.Ile95fs; shifts the reading frame from isoleucine 95.
Molecular consequence: frameshift variant.
Genome position (GRCh38, 1-based): chr3:108,219,503, C deleted on the plus strand (G on the coding strand, the reverse complement: IFT57 is on the minus strand). VCF-style (leftmost placement, unchanged base first): chr3-108219502-TC-T. GRCh37 (hg19) VCF-style: chr3-107938349-TC-T.
Other names: short protein forms I95fs.
Identifiers: ClinVar variation 1427525 (VCV001427525.6), dbSNP rs2080392976, ClinGen allele CA913100223.